The following is an entry in ClinVar:

NM_000180.4(GUCY2D):c.2303G>A (p.Arg768Gln)

Gene: GUCY2D (guanylate cyclase 2D, retinal; plus strand). Cytogenetic location: 17p13.1.
Variant type: single nucleotide variant.
Coding change: c.2303G>A on transcript NM_000180.4 (MANE Select); coding-DNA position 2303, G replaced by A.
Protein change: p.Arg768Gln; replaces arginine 768 with glutamine.
Molecular consequence: missense variant.
Genome position (GRCh38, 1-based): chr17:8,013,919, G>A. VCF-style: chr17-8013919-G-A. GRCh37 (hg19) VCF-style: chr17-7917237-G-A.
Other names: NM_000180.4(GUCY2D):c.2303G>A; p.Arg768Gln; short protein forms R768Q.
Identifiers: ClinVar variation 560463 (VCV000560463.16), dbSNP rs750889782, ClinGen allele CA8366083.

ClinVar aggregate classification (germline): Pathogenic. Review status: reviewed by expert panel (3 of 4 stars). 10 submissions from 9 submitters: Pathogenic (1). 9 of the submissions do not count toward it. Last evaluated 2025-01-30.

Conditions:
GUCY2D-related recessive retinopathy. Also called: Recessive GUCY2D retinopathy. Identifiers: MedGen CN305603, MONDO:0100453.
Cone-rod dystrophy 6 (CORD6). Also called: Cone dystrophy progressive; RETINAL CONE DYSTROPHY 2. Identifiers: Orphanet 1872, MedGen C1866293, MONDO:0011143, OMIM 601777.
Choroidal dystrophy, central areolar, 1. Identifiers: Orphanet 75377, MedGen C4551884, MONDO:0024539, OMIM 215500.
Leber congenital amaurosis 1 (LCA1). Also called: Congenital absence of the rods and cones; Leber's congenital tapetoretinal degeneration; Leber's congenital tapetoretinal dysplasia; AMAUROSIS CONGENITA OF LEBER I; RETINAL BLINDNESS, CONGENITAL. Identifiers: Orphanet 65, MedGen C2931258, MONDO:0008764, OMIM 204000.
Night blindness, congenital stationary, type1i. Also called: NIGHT BLINDNESS, CONGENITAL STATIONARY, TYPE 1I. Identifiers: MedGen C5231408, MONDO:0032811, OMIM 618555.
GUCY2D-related disorders.
POLR-related leukodystrophy. Also called: 4H leukodystrophy. Identifiers: Orphanet 289494, MedGen C5679947, MONDO:0100605.
Leber congenital amaurosis (LCA). Also called: Leber's amaurosis. Identifiers: Orphanet 65, MedGen C0339527, MeSH D057130, MONDO:0018998.

Allele frequency attached by ClinVar (database versions not stated): ExAC 0.00001; gnomAD 0.00001; gnomAD exomes 0.00001; TOPMed 0.00001.

Submissions (10):

ClinGen Leber Congenital Amaurosis/early Onset Retinal Dystrophy Variant Curation Expert Panel, ClinGen
Classification: Pathogenic for GUCY2D-related recessive retinopathy. Last evaluated: 2025-01-30. Review status: reviewed by expert panel. Criteria: ClinGen LCAeoRD ACMG Specifications GUCY2D V1.0.0. Collection method: curation. Allele origin: germline. Inheritance: Autosomal recessive inheritance.
Comment: NM_000180.4(GUCY2D):c.2303G>A (p.Arg768Gln) is a missense variant predicted to replace arginine with glutamine at position p.768 in the RetGC-1 protein. This variant is present in gnomAD v.4.1.0 at a total allele frequency of 0.000008057, with 13 alleles / 1,613,428 total alleles, which is lower than the ClinGen LCA/eoRD VCEP PM2_Supporting threshold of <0.0004 (PM2_Supporting). The computational predictor REVEL gives a score of 0.734 which is above the ClinGen LCA/eoRD VCEP threshold of ≥0.644 and predicts a damaging effect on RetGC-1 protein function (PP3). This variant has been reported in at least 2 unrelated probands with early-onset severe retinal dystrophy who were homozygous for the variant (1 point, PMIDs: 28224992, 2604750). This variant has also been reported in at least 2 probands with early-onset severe retinal dystrophy who were compound heterozygous. The first has the p.Ser626Phe variant confirmed in trans but this variant has not been curated by the LCA/eoRD VCEP (not counted, PMID:26626312). The second has the c.82dup, p.Arg28Profs*291 variant confirmed in trans, which was previously classified likely pathogenic by the ClinGen LCA/eoRD VCEP(1 pt, PMID: 26047050) (2 total points, PM3_Strong). At least one proband harboring this variant exhibits a phenotype including a diagnosis of Leber congenital amaurosis (0.5 pts) with presentation at birth (1 pt), extinct electroretinogram responses from both rods (0.5 pts) and cones (1 pt), attenuated vessels and muddy retinal pigmentation (0.5 pts), and nystagmus (1 pt), which together are specific for GUCY2D-related recessive retinopathy (total 4.5 points, PMID: 26626312, PP4). Another missense variant in the same codon, NM_000180.4(GUCY2D):c.2302C>T (p.Arg768Trp), has previously been classified as pathogenic for GUCY2D-related recessive retinopathy by the ClinGen LCA/eoRD VCEP (PM5). The variant exhibited ~0% enzymatic activity in a guanylate cyclase assay relative to the wild-type control, which is lower than the ClinGen LCA/eoRD VCEP PS3_Supporting threshold of ≤10% activity, indicating that it triggers a severe defect in protein function (PMID: 23035049, PS3_Supporting). In summary, this variant meets the criteria to be classified as pathogenic for GUCY2D-related recessive retinopathy based on the ACMG/AMP criteria applied, as specified by the ClinGen LCA/eoRD VCEP: PM2_Supporting, PP3, PM3_Strong, PP4, PM5, and PS3_Supporting. (VCEP specifications version 1.0.0; date of approval 01/22/2025).

Labcorp Genetics (formerly Invitae), Labcorp
Classification: Pathogenic for Leber congenital amaurosis 1; Cone-rod dystrophy 6. Last evaluated: 2025-12-17. Review status: criteria provided, single submitter. Criteria: Invitae Variant Classification Sherloc (09022015). Collection method: clinical testing. Allele origin: germline. Not counted in ClinVar's aggregate classification.
Comment: This sequence change replaces arginine, which is basic and polar, with glutamine, which is neutral and polar, at codon 768 of the GUCY2D protein (p.Arg768Gln). This variant is present in population databases (rs750889782, gnomAD 0.002%). This missense change has been observed in individual(s) with Leber congenital amaurosis (PMID: 21153841, 26047050). In at least one individual the data is consistent with being in trans (on the opposite chromosome) from a pathogenic variant. ClinVar contains an entry for this variant (Variation ID: 560463). Invitae Evidence Modeling of protein sequence and biophysical properties (such as structural, functional, and spatial information, amino acid conservation, physicochemical variation, residue mobility, and thermodynamic stability) has been performed for this missense variant. However, the output from this modeling did not meet the statistical confidence thresholds required to predict the impact of this variant on GUCY2D protein function. This variant disrupts the p.Arg768 amino acid residue in GUCY2D. Other variant(s) that disrupt this residue have been determined to be pathogenic (PMID: 16505055, 17724218, 23035049, 26253563, 26626312). This suggests that this residue is clinically significant, and that variants that disrupt this residue are likely to be disease-causing. For these reasons, this variant has been classified as Pathogenic.

Fulgent Genetics
Classification: Pathogenic for Leber congenital amaurosis 1; Choroidal dystrophy, central areolar, 1; Cone-rod dystrophy 6; Night blindness, congenital stationary, type1i. Last evaluated: 2024-03-23. Review status: criteria provided, single submitter. Criteria: ACMG Guidelines, 2015. Collection method: clinical testing. Allele origin: germline. Not counted in ClinVar's aggregate classification.

Women's Health and Genetics/Laboratory Corporation of America, LabCorp
Classification: Pathogenic for Leber congenital amaurosis. Last evaluated: 2024-03-22. Review status: criteria provided, single submitter. Criteria: LabCorp Variant Classification Summary - May 2015. Collection method: clinical testing. Allele origin: germline. Not counted in ClinVar's aggregate classification.
Comment: Variant summary: GUCY2D c.2303G>A (p.Arg768Gln) results in a conservative amino acid change located in the Protein kinase domain (IPR000719) of the encoded protein sequence. Four of five in-silico tools predict a damaging effect of the variant on protein function. The variant allele was found at a frequency of 8e-06 in 251314 control chromosomes. c.2303G>A has been reported in the literature in individuals affected with Leber Congenital Amaurosis (Wang_2015, Haer-Wigman, Wiszniewski_2011). In addition, another missense variatn in the same residue (p.Arg768Trp) has been classified as pathogenic in ClinVar by various submitters. These data indicate that the variant is likely to be associated with disease. To our knowledge, no experimental evidence demonstrating an impact on protein function has been reported. The following publications have been ascertained in the context of this evaluation (PMID: 28224992, 26047050, 21153841). ClinVar contains an entry for this variant (Variation ID: 560463). Based on the evidence outlined above, the variant was classified as pathogenic.

Women's Health and Genetics/Laboratory Corporation of America, LabCorp
Classification: Pathogenic for POLR-related leukodystrophy. Last evaluated: 2024-03-22. Review status: criteria provided, single submitter. Criteria: LabCorp Variant Classification Summary - May 2015. Collection method: clinical testing. Allele origin: germline. Not counted in ClinVar's aggregate classification.
Comment: Variant summary: POLR3B c.2303G>A (p.Arg768His) results in a non-conservative amino acid change located in the DNA-directed RNA polymerase, subunit 2, hybrid-binding domain (IPR007120) of the encoded protein sequence. Five of five in-silico tools predict a damaging effect of the variant on protein function. The variant allele was found at a frequency of 8.4e-05 in 251166 control chromosomes, predominantly at a frequency of 0.00059 within the South Asian subpopulation in the gnomAD database. c.2303G>A has been reported in the literature in the homozygous and compound heterozygous state in individuals affected with POLR3-Related Leukodystrophy (e.g. Saitsu_2011, Parayil Sankaran_2020). These data indicate that the variant is likely to be associated with disease. To our knowledge, no experimental evidence demonstrating an impact on protein function has been reported. Two clinical diagnostic laboratories have submitted clinical-significance assessments for this variant to ClinVar after 2014. One laboratory classified the variant as pathogenic, and one laboratory classified the variant as uncertain significance. Based on the evidence outlined above, the variant was classified as likely pathogenic.

Institute of Human Genetics, University of Leipzig Medical Center
Classification: Likely pathogenic for Leber congenital amaurosis 1. Last evaluated: 2023-03-02. Review status: criteria provided, single submitter. Criteria: ACMG Guidelines, 2015. Collection method: clinical testing. Allele origin: unknown. Affected: yes. Not counted in ClinVar's aggregate classification.
Comment: This variant was identified as compound heterozygous with NM_000180.4:c.2302C>T._x000D_ Criteria applied: PM3_STR, PM5, PM2_SUP, PP3

Blueprint Genetics
Classification: Pathogenic for GUCY2D-related disorders. Last evaluated: 2022-10-31. Review status: criteria provided, single submitter. Criteria: ACMG Guidelines, 2015. Collection method: clinical testing. Allele origin: germline. Affected: yes. Observed: 3 variant alleles. Not counted in ClinVar's aggregate classification.

Revvity Omics, Revvity
Classification: Likely pathogenic. Last evaluated: 2021-10-25. Review status: criteria provided, single submitter. Criteria: ACMG Guidelines, 2015. Collection method: clinical testing. Allele origin: germline. Not counted in ClinVar's aggregate classification.

Sharon lab, Hadassah-Hebrew University Medical Center
Classification: Pathogenic for leber congenital amaurosis. Last evaluated: 2019-06-23. Review status: no assertion criteria provided. Collection method: research. Allele origin: inherited. Affected: yes. Not counted in ClinVar's aggregate classification.

Joint Genome Diagnostic Labs from Nijmegen and Maastricht, Radboudumc and MUMC+
Classification: Pathogenic for Leber congenital amaurosis 1. Last evaluated: 2016-09-01. Review status: no assertion criteria provided. Collection method: clinical testing. Allele origin: inherited. Affected: yes. Observed: 1 variant allele. Not counted in ClinVar's aggregate classification.

Literature cited by the submitters: PubMed 23035049 (cited by ClinGen Leber Congenital Amaurosis/early Onset Retinal Dystrophy Variant Curation Expert Panel, ClinGen and Labcorp Genetics (formerly Invitae), Labcorp); PubMed 21153841 (cited by Labcorp Genetics (formerly Invitae), Labcorp and Women's Health and Genetics/Laboratory Corporation of America, LabCorp); PubMed 26047050 (cited by Labcorp Genetics (formerly Invitae), Labcorp and Women's Health and Genetics/Laboratory Corporation of America, LabCorp); PubMed 16505055 (cited by Labcorp Genetics (formerly Invitae), Labcorp); PubMed 17724218 (cited by Labcorp Genetics (formerly Invitae), Labcorp); PubMed 26253563 (cited by Labcorp Genetics (formerly Invitae), Labcorp); PubMed 26626312 (cited by Labcorp Genetics (formerly Invitae), Labcorp); PubMed 28224992 (cited by Women's Health and Genetics/Laboratory Corporation of America, LabCorp).